The following is an entry in ClinVar:

ClinVar aggregate classification (germline): Uncertain significance. Review status: criteria provided, multiple submitters, no conflicts (2 of 4 stars). 2 submissions from 2 submitters: Uncertain significance (2). Last evaluated 2025-08-23.

Conditions:
Inborn genetic diseases. Identifiers: MedGen C0950123, MeSH D030342.

gnomAD v4.1: 15 of 1,613,366 alleles (0.00093%); highest among the groups gnomAD compares: Non-Finnish European, 0.0012%; no homozygotes.

Submissions (2):

Ambry Genetics
Classification: Uncertain significance for Inborn genetic diseases. Last evaluated: 2025-08-23. Review status: criteria provided, single submitter. Criteria: Ambry Variant Classification Scheme 2023. Collection method: clinical testing. Allele origin: germline.

CeGaT Center for Human Genetics Tuebingen
Classification: Uncertain significance. Last evaluated: 2025-08-01. Review status: criteria provided, single submitter. Criteria: CeGaT Center For Human Genetics Tuebingen Variant Classification Criteria Version 2. Collection method: clinical testing. Allele origin: germline. Affected: yes. Observed: 1 variant allele.
Comment: IFT140: PM2, BP4

NM_014714.4(IFT140):c.956T>C (p.Phe319Ser)

Genes: IFT140 (intraflagellar transport 140; minus strand), LOC105371046 (uncharacterized LOC105371046; plus strand). Cytogenetic location: 16p13.3.
Variant type: single nucleotide variant.
Coding change: c.956T>C on transcript NM_014714.4 (MANE Select); coding-DNA position 956, T replaced by C.
Protein change: p.Phe319Ser; replaces phenylalanine 319 with serine.
Molecular consequence: missense variant.
Genome position (GRCh38, 1-based): chr16:1,587,251, A>G on the plus strand (T>C on the coding strand, the complement: IFT140 is on the minus strand). VCF-style: chr16-1587251-A-G. GRCh37 (hg19) VCF-style: chr16-1637252-A-G.
Other names: c.956T>C (NM_014714.3); short protein forms F319S.
Identifiers: ClinVar variation 4084560 (VCV004084560.9).
Genomic context (GRCh38, chr16:1,587,251, plus strand): 5'-GCCTCACCTTTGACTTTACAGTAACACACACAGTTCATATTCTCTCCTTTCTCAAAGCCA[A>G]ACTTCTCATCTGGACTCAGTATATAATTCTCTCCTCGTTCTATGTCCCAGAATCTACAAC-3'
Protein context (NP_055529.2, residues 309-329): ENYILSPDEK[Phe319Ser]GFEKGENMNC